The following is an entry in ClinVar:

NM_000186.4(CFH):c.11T>C (p.Leu4Pro)

Gene: CFH (complement factor H; plus strand). Cytogenetic location: 1q31.3.
Variant type: single nucleotide variant.
Coding change: c.11T>C on transcript NM_000186.4 (MANE Select); coding-DNA position 11, T replaced by C.
Protein change: p.Leu4Pro; replaces leucine 4 with proline.
Molecular consequence: missense variant.
Genome position (GRCh38, 1-based): chr1:196,652,128, T>C. VCF-style: chr1-196652128-T-C. GRCh37 (hg19) VCF-style: chr1-196621258-T-C.
Other names: c.11T>C, p.Leu4Pro (NM_001014975.3); short protein forms L4P.
Identifiers: ClinVar variation 1909237 (VCV001909237.6), dbSNP rs1305521799, ClinGen allele CA343988826.
Genomic context (GRCh38, chr1:196,652,128, plus strand): 5'-ACGTTGTGAACAGAGTTAGCTGGTAAATGTCCTCTTAAAAGATCCAAAAAATGAGACTTC[T>C]AGCAAAGATTATTTGCCTTATGTTATGGGCTATTTGTGTAGCAGAAGGTAAGATTAAAAG-3'
Protein context (NP_000177.2, residues 1-14): MRL[Leu4Pro]AKIICLMLWA

ClinVar aggregate classification (germline): Uncertain significance. Review status: criteria provided, multiple submitters, no conflicts (2 of 4 stars). 2 submissions from 2 submitters: Uncertain significance (2). Last evaluated 2025-08-18.

Conditions:
Basal laminar drusen. Also called: DRUSEN OF BRUCH MEMBRANE; DRUSEN, CUTICULAR; DRUSEN, EARLY ADULT-ONSET, GROUPED. Identifiers: Orphanet 75376, MedGen C0730295, MONDO:0007472, OMIM 126700.
Age related macular degeneration 4. Identifiers: MedGen C1853147, MONDO:0012540, OMIM 610698.
Factor H deficiency (CFHD). Also called: COMPLEMENT FACTOR H DEFICIENCY; CFH DEFICIENCY. Identifiers: Orphanet 200421, MedGen C0398777, MONDO:0012350, OMIM 609814.
Hemolytic uremic syndrome, atypical, susceptibility to, 1. Also called: AHUS, SUSCEPTIBILITY TO, 1. Identifiers: Orphanet 2134, Orphanet 90038, MedGen C2749604, MONDO:0009335, OMIM 235400. Disease mechanism: Other.

Allele frequency attached by ClinVar (database versions not stated): gnomAD exomes below 0.00001; gnomAD 0.00002; TOPMed 0.00002.
gnomAD v4.1: 10 of 1,611,202 alleles (0.00062%); highest among the groups gnomAD compares: East Asian, 0.0089%; no homozygotes.

Submissions (2):

Labcorp Genetics (formerly Invitae), Labcorp
Classification: Uncertain significance. Last evaluated: 2025-08-18. Review status: criteria provided, single submitter. Criteria: Invitae Variant Classification Sherloc (09022015). Collection method: clinical testing. Allele origin: germline.
Comment: This sequence change replaces leucine, which is neutral and non-polar, with proline, which is neutral and non-polar, at codon 4 of the CFH protein (p.Leu4Pro). The frequency data for this variant in the population databases is considered unreliable, as metrics indicate poor data quality at this position in the gnomAD database. This variant has not been reported in the literature in individuals affected with CFH-related conditions. ClinVar contains an entry for this variant (Variation ID: 1909237). An algorithm developed to predict the effect of missense changes on protein structure and function outputs the following: PolyPhen-2: "Benign". The proline amino acid residue is found in multiple mammalian species, which suggests that this missense change does not adversely affect protein function. Algorithms developed to predict the effect of sequence changes on RNA splicing suggest that this variant may create or strengthen a splice site. In summary, the available evidence is currently insufficient to determine the role of this variant in disease. Therefore, it has been classified as a Variant of Uncertain Significance.

Fulgent Genetics
Classification: Uncertain significance for Basal laminar drusen; Hemolytic uremic syndrome, atypical, susceptibility to, 1; Factor H deficiency; Age related macular degeneration 4. Last evaluated: 2024-06-01. Review status: criteria provided, single submitter. Criteria: ACMG Guidelines, 2015. Collection method: clinical testing. Allele origin: germline.